The following is an entry in ClinVar:

NM_001080467.3(MYO5B):c.139-3T>C

Gene: MYO5B (myosin VB; minus strand). Cytogenetic location: 18q21.1.
Variant type: single nucleotide variant.
Coding change: c.139-3T>C on transcript NM_001080467.3 (MANE Select); 3 bases into the intron before coding-DNA position 139, T replaced by C.
Molecular consequence: intron variant.
Genome position (GRCh38, 1-based): chr18:50,040,317, A>G on the plus strand (T>C on the coding strand, the complement: MYO5B is on the minus strand). VCF-style: chr18-50040317-A-G. GRCh37 (hg19) VCF-style: chr18-47566687-A-G.
Other names: c.139-3T>C (NM_001080467.2).
Identifiers: ClinVar variation 2192514 (VCV002192514.4), dbSNP rs1367203814, ClinGen allele CA629927802.

ClinVar aggregate classification (germline): Conflicting classifications of pathogenicity. Review status: criteria provided, conflicting classifications (1 of 4 stars). 2 submissions from 2 submitters: Uncertain significance (1); Likely benign (1). Last evaluated 2025-02-11.

Conditions:
MYO5B-related disorder. Also called: MYO5B-related condition.

Allele frequency attached by ClinVar (database versions not stated): gnomAD exomes 0.00001; TOPMed 0.00002; gnomAD 0.00003.
gnomAD v4.1: 13 of 1,613,942 alleles (0.00081%); highest among the groups gnomAD compares: Admixed American, 0.018%; no homozygotes.

Submissions (2):

PreventionGenetics, part of Exact Sciences
Classification: Likely benign for MYO5B-related condition. Last evaluated: 2025-02-11. Review status: criteria provided, single submitter. Criteria: ACMG Guidelines, 2015. Collection method: clinical testing. Allele origin: germline.
Comment: This variant is classified as likely benign based on ACMG/AMP sequence variant interpretation guidelines (Richards et al. 2015 PMID: 25741868, with internal and published modifications).

Labcorp Genetics (formerly Invitae), Labcorp
Classification: Uncertain significance. Last evaluated: 2022-06-20. Review status: criteria provided, single submitter. Criteria: Invitae Variant Classification Sherloc (09022015). Collection method: clinical testing. Allele origin: germline.
Comment: Variants that disrupt the consensus splice site are a relatively common cause of aberrant splicing (PMID: 17576681, 9536098). Algorithms developed to predict the effect of sequence changes on RNA splicing suggest that this variant is not likely to affect RNA splicing. In summary, the available evidence is currently insufficient to determine the role of this variant in disease. Therefore, it has been classified as a Variant of Uncertain Significance. This variant has not been reported in the literature in individuals affected with MYO5B-related conditions. This sequence change falls in intron 2 of the MYO5B gene. It does not directly change the encoded amino acid sequence of the MYO5B protein. It affects a nucleotide within the consensus splice site. This variant is present in population databases (no rsID available, gnomAD 0.01%).

Literature cited by the submitters: PubMed 17576681 (cited by Labcorp Genetics (formerly Invitae), Labcorp); PubMed 9536098 (cited by Labcorp Genetics (formerly Invitae), Labcorp).